The following is an entry in ClinVar:

ClinVar aggregate classification (germline): Likely benign. Review status: criteria provided, single submitter (1 of 4 stars). 2 submissions from 2 submitters: Likely benign (1). 1 of the submissions does not count toward it. Last evaluated 2021-09-24.

Conditions:
DNAH17-related disorder. Also called: DNAH17-related condition.

Allele frequency attached by ClinVar (database versions not stated): ExAC 0.00040; gnomAD 0.00106; 1000 Genomes Project 0.00120; TOPMed 0.00122; 1000 Genomes Project 30x 0.00125; ESP Exome Variant Server 0.00125.
gnomAD v4.1: 353 of 1,607,906 alleles (0.022%); highest among the groups gnomAD compares: African/African-American, 0.38%; 2 homozygotes.

Submissions (2):

Blueprint Genetics
Classification: Likely benign. Last evaluated: 2021-09-24. Review status: criteria provided, single submitter. Criteria: ACMG Guidelines, 2015. Collection method: clinical testing. Allele origin: germline.

PreventionGenetics, part of Exact Sciences
Classification: Likely benign for DNAH17-related condition. Last evaluated: 2020-10-20. Review status: no assertion criteria provided. Collection method: clinical testing. Allele origin: germline. Not counted in ClinVar's aggregate classification.
Comment: This variant is classified as likely benign based on ACMG/AMP sequence variant interpretation guidelines (Richards et al. 2015 PMID: 25741868, with internal and published modifications).

NM_173628.4(DNAH17):c.5739C>T (p.Ala1913=)

Genes: DNAH17 (dynein axonemal heavy chain 17; minus strand), DNAH17-AS1 (DNAH17 antisense RNA 1; plus strand). Cytogenetic location: 17q25.3.
Variant type: single nucleotide variant.
Coding change: c.5739C>T on transcript NM_173628.4 (MANE Select); coding-DNA position 5739, C replaced by T.
Protein change: p.Ala1913=; no amino-acid change (alanine 1913 retained).
Molecular consequence: synonymous variant. On other transcripts: non-coding transcript variant (1).
Genome position (GRCh38, 1-based): chr17:78,499,014, G>A on the plus strand (C>T on the coding strand, the complement: DNAH17 is on the minus strand). VCF-style: chr17-78499014-G-A. GRCh37 (hg19) VCF-style: chr17-76495096-G-A.
Identifiers: ClinVar variation 3053933 (VCV003053933.3), dbSNP rs368132937, ClinGen allele CA8803114.